The following is an entry in ClinVar:

NM_017672.6(TRPM7):c.3754C>T (p.Gln1252Ter)

Genes: TRPM7 (transient receptor potential cation channel subfamily M member 7; minus strand), LOC126862130 (BRD4-independent group 4 enhancer GRCh37_chr15:50884350-50885549; plus strand). Cytogenetic location: 15q21.2.
Variant type: single nucleotide variant.
Coding change: c.3754C>T on transcript NM_017672.6 (MANE Select); coding-DNA position 3754, C replaced by T.
Protein change: p.Gln1252Ter; replaces glutamine 1252 with a stop codon.
Molecular consequence: nonsense. On other transcripts: non-coding transcript variant (3).
Genome position (GRCh38, 1-based): chr15:50,592,481, G>A on the plus strand (C>T on the coding strand, the complement: TRPM7 is on the minus strand). VCF-style: chr15-50592481-G-A. GRCh37 (hg19) VCF-style: chr15-50884678-G-A.
Other names: c.3754C>T, p.Gln1252Ter (NM_001301212.2); short protein forms Q1252*.
Identifiers: ClinVar variation 3234682 (VCV003234682.20), dbSNP rs2542282601, ClinGen allele CA392400227.

ClinVar aggregate classification (germline): Uncertain significance (1 of 4 stars; one submission).

Submission:

CeGaT Center for Human Genetics Tuebingen
Classification: Uncertain significance. Last evaluated: 2024-04-01. Review status: criteria provided, single submitter. Criteria: CeGaT Center For Human Genetics Tuebingen Variant Classification Criteria Version 2. Collection method: clinical testing. Allele origin: germline. Affected: yes. Observed: 1 variant allele.
Comment: TRPM7: PM2